The following is an entry in ClinVar:

NM_004055.5(CAPN5):c.763G>A (p.Ala255Thr)

Gene: CAPN5 (calpain 5; plus strand). Cytogenetic location: 11q13.5.
Variant type: single nucleotide variant.
Coding change: c.763G>A on transcript NM_004055.5 (MANE Select); coding-DNA position 763, G replaced by A.
Protein change: p.Ala255Thr; replaces alanine 255 with threonine.
Molecular consequence: missense variant.
Genome position (GRCh38, 1-based): chr11:77,115,458, G>A. VCF-style: chr11-77115458-G-A. GRCh37 (hg19) VCF-style: chr11-76826504-G-A.
Other names: short protein forms A255T.
Identifiers: ClinVar variation 1023738 (VCV001023738.8), dbSNP rs782335833, ClinGen allele CA6196550.

ClinVar aggregate classification (germline): Uncertain significance (1 of 4 stars; one submission).

Allele frequency attached by ClinVar (database versions not stated): gnomAD 0.00006; TOPMed 0.00006; gnomAD exomes 0.00008 and 0.00014; ExAC 0.00024.
gnomAD v4.1: 129 of 1,612,888 alleles (0.008%); highest among the groups gnomAD compares: Non-Finnish European, 0.01%; no homozygotes.

Submission:

Labcorp Genetics (formerly Invitae), Labcorp
Classification: Uncertain significance. Last evaluated: 2025-01-14. Review status: criteria provided, single submitter. Criteria: Invitae Variant Classification Sherloc (09022015). Collection method: clinical testing. Allele origin: germline.
Comment: This sequence change replaces alanine, which is neutral and non-polar, with threonine, which is neutral and polar, at codon 255 of the CAPN5 protein (p.Ala255Thr). This variant is present in population databases (rs782335833, gnomAD 0.03%). This variant has not been reported in the literature in individuals affected with CAPN5-related conditions. ClinVar contains an entry for this variant (Variation ID: 1023738). Invitae Evidence Modeling of protein sequence and biophysical properties (such as structural, functional, and spatial information, amino acid conservation, physicochemical variation, residue mobility, and thermodynamic stability) indicates that this missense variant is not expected to disrupt CAPN5 protein function with a negative predictive value of 80%. In summary, the available evidence is currently insufficient to determine the role of this variant in disease. Therefore, it has been classified as a Variant of Uncertain Significance.